The following is an entry in ClinVar:

ClinVar aggregate classification (germline): Uncertain significance (1 of 4 stars; one submission).

Conditions:
Muscle AMP deaminase deficiency (MMDD). Also called: Myoadenylate deaminase deficiency, myopathy due to; Adenosine monophosphate deaminase 1 deficiency; AMP deaminase 1 deficiency; Adenosine Monophosphate Deaminase 1; AMPD1 DEFICIENCY; ADENOSINE MONOPHOSPHATE DEAMINASE-1 DEFICIENCY, MYOPATHY DUE TO. Identifiers: Orphanet 45, MedGen C3714933, MONDO:0014220, OMIM 615511.

Submission:

Labcorp Genetics (formerly Invitae), Labcorp
Classification: Uncertain significance for Muscle AMP deaminase deficiency. Last evaluated: 2025-11-02. Review status: criteria provided, single submitter. Criteria: Invitae Variant Classification Sherloc (09022015). Collection method: clinical testing. Allele origin: germline.
Comment: This sequence change replaces glutamine, which is neutral and polar, with arginine, which is basic and polar, at codon 88 of the AMPD1 protein (p.Gln88Arg). This variant is not present in population databases (gnomAD no frequency). This variant has not been reported in the literature in individuals affected with AMPD1-related conditions. An algorithm developed to predict the effect of missense changes on protein structure and function outputs the following: PolyPhen-2: "Benign". The arginine amino acid residue is found in multiple mammalian species, which suggests that this missense change does not adversely affect protein function. In summary, the available evidence is currently insufficient to determine the role of this variant in disease. Therefore, it has been classified as a Variant of Uncertain Significance.

NM_000036.3(AMPD1):c.164A>G (p.Gln55Arg)

Gene: AMPD1 (adenosine monophosphate deaminase 1; minus strand). Cytogenetic location: 1p13.2.
Variant type: single nucleotide variant.
Coding change: c.164A>G on transcript NM_000036.3 (MANE Select); coding-DNA position 164, A replaced by G.
Protein change: p.Gln55Arg; replaces glutamine 55 with arginine.
Molecular consequence: missense variant.
Genome position (GRCh38, 1-based): chr1:114,688,612, T>C on the plus strand (A>G on the coding strand, the complement: AMPD1 is on the minus strand). VCF-style: chr1-114688612-T-C. GRCh37 (hg19) VCF-style: chr1-115231233-T-C.
Other names: c.152A>G, p.Gln51Arg (NM_001172626.2); short protein forms Q51R, Q55R.
Identifiers: ClinVar variation 4730052 (VCV004730052.1).